The following is an entry in ClinVar:

ClinVar aggregate classification (germline): Uncertain significance. Review status: criteria provided, multiple submitters, no conflicts (2 of 4 stars). 3 submissions from 3 submitters: Uncertain significance (3). Last evaluated 2025-10-02.

Conditions:
Hereditary cancer-predisposing syndrome. Also called: Neoplastic Syndromes, Hereditary; Tumor predisposition; Hereditary Cancer Syndrome; Hereditary neoplastic syndrome. Identifiers: Orphanet 140162, MedGen C0027672, MeSH D009386, MONDO:0015356.
Familial cancer of breast. Also called: BREAST CANCER, FAMILIAL; Hereditary breast cancer; hereditary breast carcinoma. Identifiers: Orphanet 227535, MedGen C0346153, MONDO:0016419, OMIM 114480. Disease mechanism: loss of function.

Submissions (3):

Mayo Clinic Laboratories, Mayo Clinic
Classification: Uncertain significance. Last evaluated: 2025-10-02. Review status: criteria provided, single submitter. Criteria: ACMG Guidelines, 2015. Collection method: clinical testing. Allele origin: germline. Observed: 1 variant allele.
Comment: BP1, PM2_supporting

Ambry Genetics
Classification: Uncertain significance for Hereditary cancer-predisposing syndrome. Last evaluated: 2025-05-20. Review status: criteria provided, single submitter. Criteria: Ambry Variant Classification Scheme 2023. Collection method: clinical testing. Allele origin: germline.
Comment: The p.T1099K variant (also known as c.3296C>A), located in coding exon 12 of the PALB2 gene, results from a C to A substitution at nucleotide position 3296. The threonine at codon 1099 is replaced by lysine, an amino acid with similar properties. This amino acid position is highly conserved in available vertebrate species. In addition, the in silico prediction for this alteration is inconclusive. Since supporting evidence is limited at this time, the clinical significance of this alteration remains unclear.

Labcorp Genetics (formerly Invitae), Labcorp
Classification: Uncertain significance for Familial cancer of breast. Last evaluated: 2024-10-13. Review status: criteria provided, single submitter. Criteria: Invitae Variant Classification Sherloc (09022015). Collection method: clinical testing. Allele origin: germline.
Comment: This sequence change replaces threonine, which is neutral and polar, with lysine, which is basic and polar, at codon 1099 of the PALB2 protein (p.Thr1099Lys). This variant is not present in population databases (gnomAD no frequency). This variant has not been reported in the literature in individuals affected with PALB2-related conditions. ClinVar contains an entry for this variant (Variation ID: 1729887). An algorithm developed to predict the effect of missense changes on protein structure and function (PolyPhen-2) suggests that this variant is likely to be disruptive. In summary, the available evidence is currently insufficient to determine the role of this variant in disease. Therefore, it has been classified as a Variant of Uncertain Significance.

NM_024675.4(PALB2):c.3296C>A (p.Thr1099Lys)

Gene: PALB2 (partner and localizer of BRCA2; minus strand). Cytogenetic location: 16p12.2.
Variant type: single nucleotide variant.
Coding change: c.3296C>A on transcript NM_024675.4 (MANE Select); coding-DNA position 3296, C replaced by A.
Protein change: p.Thr1099Lys; replaces threonine 1099 with lysine.
Molecular consequence: missense variant.
Genome position (GRCh38, 1-based): chr16:23,607,918, G>T on the plus strand (C>A on the coding strand, the complement: PALB2 is on the minus strand). VCF-style: chr16-23607918-G-T. GRCh37 (hg19) VCF-style: chr16-23619239-G-T.
Other names: p.Thr1099Lys; c.3236C>A, p.Thr1079Lys (NM_001407296.1); c.3224C>A, p.Thr1075Lys (NM_001407297.1); c.3134C>A, p.Thr1045Lys (NM_001407298.1); c.3017C>A, p.Thr1006Lys (NM_001407300.1); c.2411C>A, p.Thr804Lys (NM_001407304.1, NM_001407305.1, NM_001407306.1); c.2249C>A, p.Thr750Lys (NM_001407307.1); c.1508C>A, p.Thr503Lys (NM_001407312.1); and 1 more; short protein forms T750K, T804K, T1045K, T1075K, T277K, T1006K, T1099K, T1079K.
Identifiers: ClinVar variation 1729887 (VCV001729887.9), dbSNP rs142132127, ClinGen allele CA395139521.